The following is an entry in ClinVar:

ClinVar aggregate classification (germline): Uncertain significance. Review status: criteria provided, multiple submitters, no conflicts (2 of 4 stars). 3 submissions from 3 submitters: Uncertain significance (2). 1 of the submissions does not count toward it. Last evaluated 2025-09-24.

Conditions:
KRT5-related disorder. Also called: KRT5-related condition.

Allele frequency attached by ClinVar (database versions not stated): ExAC 0.00001; gnomAD 0.00001.
gnomAD v4.1: 12 of 1,613,996 alleles (0.00074%); highest among the groups gnomAD compares: South Asian, 0.0011%; no homozygotes.

Submissions (3):

Labcorp Genetics (formerly Invitae), Labcorp
Classification: Uncertain significance. Last evaluated: 2025-09-24. Review status: criteria provided, single submitter. Criteria: Invitae Variant Classification Sherloc (09022015). Collection method: clinical testing. Allele origin: germline.
Comment: This sequence change replaces glutamic acid, which is acidic and polar, with lysine, which is basic and polar, at codon 167 of the KRT5 protein (p.Glu167Lys). This variant is present in population databases (rs57378129, gnomAD 0.01%). This missense change has been observed in individual(s) with clinical features of epidermolysis bullosa simplex (PMID: 12707098; internal data). ClinVar contains an entry for this variant (Variation ID: 66247). Invitae Evidence Modeling of protein sequence and biophysical properties (such as structural, functional, and spatial information, amino acid conservation, physicochemical variation, residue mobility, and thermodynamic stability) has been performed for this missense variant. However, the output from this modeling did not meet the statistical confidence thresholds required to predict the impact of this variant on KRT5 protein function. In summary, the available evidence is currently insufficient to determine the role of this variant in disease. Therefore, it has been classified as a Variant of Uncertain Significance.

PreventionGenetics, part of Exact Sciences
Classification: Uncertain significance for KRT5-related condition. Last evaluated: 2025-06-17. Review status: criteria provided, single submitter. Criteria: ACMG Guidelines, 2015. Collection method: clinical testing. Allele origin: germline.
Comment: The KRT5 c.499G>A variant is predicted to result in the amino acid substitution p.Glu167Lys. This variant has been reported in an individual with epidermolysis bullosa simplex (EBS); however, no additional familial disease segregation data or functional studies to support its pathogenicity were provided (Family 8 in Ciubotaru et al. 2003. PubMed ID: 12707098). This variant is reported in 0.0099% of alleles in individuals of Ashkenazi Jewish descent in gnomAD. At this time, the clinical significance of this variant is uncertain due to the absence of conclusive functional and genetic evidence.

Epithelial Biology;  Institute of Medical Biology, Singapore
No classification provided. Review status: no classification provided. Collection method: not provided. Allele origin: not provided. Not counted in ClinVar's aggregate classification.

Literature cited by the submitters: PubMed 12707098 (cited by Labcorp Genetics (formerly Invitae), Labcorp).

NM_000424.4(KRT5):c.499G>A (p.Glu167Lys)

Gene: KRT5 (keratin 5; minus strand). Cytogenetic location: 12q13.13.
Variant type: single nucleotide variant.
Coding change: c.499G>A on transcript NM_000424.4 (MANE Select); coding-DNA position 499, G replaced by A.
Protein change: p.Glu167Lys; replaces glutamic acid 167 with lysine.
Molecular consequence: missense variant.
Genome position (GRCh38, 1-based): chr12:52,519,798, C>T on the plus strand (G>A on the coding strand, the complement: KRT5 is on the minus strand). VCF-style: chr12-52519798-C-T. GRCh37 (hg19) VCF-style: chr12-52913582-C-T.
Other names: short protein forms E167K.
Identifiers: ClinVar variation 66247 (VCV000066247.3), dbSNP rs57378129, ClinGen allele CA216728.
Genomic context (GRCh38, chr12:52,519,798, plus strand): 5'-TCACCTTGTCGATGAAGGAGGCAAACTTATTGTTGAGGGTCTTGATCTGCTCGCGCTCCT[C>T]GGTCCTCACCCTCTGGATGCTGGGGTCGATTTGCAGGTTGAGGGGAGTCAGGAGACTCTG-3'
Protein context (NP_000415.2, residues 157-177): IDPSIQRVRT[Glu167Lys]EREQIKTLNN